The following is an entry in ClinVar:

NM_000112.4(SLC26A2):c.232T>G (p.Cys78Gly)

Gene: SLC26A2 (solute carrier family 26 member 2; plus strand). Cytogenetic location: 5q32.
Variant type: single nucleotide variant.
Coding change: c.232T>G on transcript NM_000112.4 (MANE Select); coding-DNA position 232, T replaced by G.
Protein change: p.Cys78Gly; replaces cysteine 78 with glycine.
Molecular consequence: missense variant.
Genome position (GRCh38, 1-based): chr5:149,977,884, T>G. VCF-style: chr5-149977884-T-G. GRCh37 (hg19) VCF-style: chr5-149357447-T-G.
Other names: short protein forms C78G.
Identifiers: ClinVar variation 3891293 (VCV003891293.1).
Genomic context (GRCh38, chr5:149,977,884, plus strand): 5'-CGTCAAGAGAAATCAGATACAAACTTCAAGGAGTTTGTTATTAAAAAGCTGCAGAAGAAT[T>G]GCCAGTGCAGTCCAGCCAAAGCCAAAAATATGATTTTAGGTTTCCTTCCTGTTTTGCAGT-3'
Protein context (NP_000103.2, residues 68-88): EFVIKKLQKN[Cys78Gly]QCSPAKAKNM

ClinVar aggregate classification (germline): Uncertain significance (1 of 4 stars; one submission).

Conditions:
Diastrophic dysplasia (DTD). Also called: Diastrophic dwarfism. Identifiers: Orphanet 628, MedGen C0220726, MONDO:0009107, OMIM 222600.

Submission:

Medical Molecular Genetics Department, National Research Center
Classification: Uncertain significance for Diastrophic dysplasia. Review status: criteria provided, single submitter. Criteria: ACMG Guidelines, 2015. Collection method: research. Allele origin: germline. Inheritance: Autosomal recessive inheritance. Affected: yes.
Comment: The pathogenicity score of the c.232T>G; p.Cys78Gly variant is 0.87. This variant is not detected in any of the population databases or dbSNP. The size of the mutant amino acid Glycine was smaller than the wild-type Cysteine, which may cause a possible loss of external interactions. The variant is classified as VUS (PP3, PM2, PP2) according to ACMG guidelines.

Literature cited by the submitters: PubMed 34064542.